The following is an entry in ClinVar:

NM_001371928.1(AHDC1):c.4000G>A (p.Gly1334Ser)

Gene: AHDC1 (AT-hook DNA binding motif containing 1; minus strand). Cytogenetic location: 1p36.11.
Variant type: single nucleotide variant.
Coding change: c.4000G>A on transcript NM_001371928.1 (MANE Select); coding-DNA position 4000, G replaced by A.
Protein change: p.Gly1334Ser; replaces glycine 1334 with serine.
Molecular consequence: missense variant.
Genome position (GRCh38, 1-based): chr1:27,548,116, C>T on the plus strand (G>A on the coding strand, the complement: AHDC1 is on the minus strand). VCF-style: chr1-27548116-C-T. GRCh37 (hg19) VCF-style: chr1-27874627-C-T.
Other names: c.4000G>A, p.Gly1334Ser (NM_001029882.3); short protein forms G1334S.
Identifiers: ClinVar variation 1190481 (VCV001190481.10), dbSNP rs143951781, ClinGen allele CA715452.

ClinVar aggregate classification (germline): Benign/Likely benign. Review status: criteria provided, multiple submitters, no conflicts (2 of 4 stars). 4 submissions from 4 submitters: Benign (1); Likely benign (2). 1 of the submissions does not count toward it. Last evaluated 2025-12-19.

Conditions:
AHDC1-related disorder. Also called: AHDC1-related condition.
Inborn genetic diseases. Identifiers: MedGen C0950123, MeSH D030342.

Allele frequency attached by ClinVar (database versions not stated): ESP Exome Variant Server 0.00023; TOPMed 0.00027; gnomAD 0.00033 and 0.00034; gnomAD exomes 0.00036; ExAC 0.00038; 1000 Genomes Project 30x 0.00047; 1000 Genomes Project 0.00060.
gnomAD v4.1: 396 of 1,613,936 alleles (0.025%); highest among the groups gnomAD compares: Middle Eastern, 0.13%; no homozygotes.

Submissions (4):

Labcorp Genetics (formerly Invitae), Labcorp
Classification: Benign. Last evaluated: 2025-12-19. Review status: criteria provided, single submitter. Criteria: Invitae Variant Classification Sherloc (09022015). Collection method: clinical testing. Allele origin: germline.

Ambry Genetics
Classification: Likely benign for Inborn genetic diseases. Last evaluated: 2022-01-18. Review status: criteria provided, single submitter. Criteria: Ambry Variant Classification Scheme 2023. Collection method: clinical testing. Allele origin: germline.

GeneDx
Classification: Likely benign. Last evaluated: 2021-05-26. Review status: criteria provided, single submitter. Criteria: GeneDx Variant Classification Process June 2021. Collection method: clinical testing. Allele origin: germline. Affected: yes.

PreventionGenetics, part of Exact Sciences
Classification: Likely benign for AHDC1-related condition. Last evaluated: 2022-08-01. Review status: no assertion criteria provided. Collection method: clinical testing. Allele origin: germline. Not counted in ClinVar's aggregate classification.
Comment: This variant is classified as likely benign based on ACMG/AMP sequence variant interpretation guidelines (Richards et al. 2015 PMID: 25741868, with internal and published modifications).